The following is an entry in ClinVar:

ClinVar aggregate classification (germline): Uncertain significance (1 of 4 stars; one submission).

Conditions:
46,XY sex reversal 9 (SRXY9). Also called: 46,XY SEX REVERSAL, ZFPM2-RELATED. Identifiers: Orphanet 251510, MedGen C4015129, MONDO:0014480, OMIM 616067.

Submission:

Labcorp Genetics (formerly Invitae), Labcorp
Classification: Uncertain significance for 46,XY sex reversal 9. Last evaluated: 2020-12-26. Review status: criteria provided, single submitter. Criteria: Invitae Variant Classification Sherloc (09022015). Collection method: clinical testing. Allele origin: germline.
Comment: This variant is not present in population databases (ExAC no frequency). In summary, the available evidence is currently insufficient to determine the role of this variant in disease. Therefore, it has been classified as a Variant of Uncertain Significance. Algorithms developed to predict the effect of missense changes on protein structure and function are either unavailable or do not agree on the potential impact of this missense change (SIFT: "Tolerated"; PolyPhen-2: "Probably Damaging"; Align-GVGD: "Class C0"). This variant has not been reported in the literature in individuals with ZFPM2-related conditions. This sequence change replaces phenylalanine with serine at codon 198 of the ZFPM2 protein (p.Phe198Ser). The phenylalanine residue is moderately conserved and there is a large physicochemical difference between phenylalanine and serine.

NM_012082.4(ZFPM2):c.593T>C (p.Phe198Ser)

Genes: ZFPM2 (zinc finger protein, FOG family member 2; plus strand), ZFPM2-AS1 (ZFPM2 antisense RNA 1; minus strand). Cytogenetic location: 8q23.1.
Variant type: single nucleotide variant.
Coding change: c.593T>C on transcript NM_012082.4 (MANE Select); coding-DNA position 593, T replaced by C.
Protein change: p.Phe198Ser; replaces phenylalanine 198 with serine.
Molecular consequence: missense variant.
Genome position (GRCh38, 1-based): chr8:105,788,778, T>C. VCF-style: chr8-105788778-T-C. GRCh37 (hg19) VCF-style: chr8-106801006-T-C.
Other names: c.434T>C, p.Phe145Ser (NM_001362836.2); c.197T>C, p.Phe66Ser (NM_001362837.2); short protein forms F145S, F198S, F66S.
Identifiers: ClinVar variation 1429169 (VCV001429169.8), dbSNP rs2131136061, ClinGen allele CA371940696.